The following is an entry in ClinVar:

ClinVar aggregate classification (germline): Benign. Review status: criteria provided, multiple submitters, no conflicts (2 of 4 stars). 3 submissions from 3 submitters: Benign (2). 1 of the submissions does not count toward it. Last evaluated 2026-02-01.

Conditions:
DSCAML1-related disorder. Also called: DSCAML1-related condition.

Allele frequency attached by ClinVar (database versions not stated): gnomAD exomes 0.00166 and 0.00057; ExAC 0.00214; gnomAD 0.00628 and 0.00687; ESP Exome Variant Server 0.00739; 1000 Genomes Project 30x 0.00937; TOPMed 0.00696; 1000 Genomes Project 0.00859.
gnomAD v4.1: 1,813 of 1,592,186 alleles (0.11%); highest among the groups gnomAD compares: African/African-American, 2.2%; 13 homozygotes.

Submissions (3):

Labcorp Genetics (formerly Invitae), Labcorp
Classification: Benign. Last evaluated: 2026-02-01. Review status: criteria provided, single submitter. Criteria: Invitae Variant Classification Sherloc (09022015). Collection method: clinical testing. Allele origin: germline.

Breakthrough Genomics
Classification: Benign. Review status: criteria provided, single submitter. Criteria: ACMG Guidelines, 2015. Collection method: not provided. Allele origin: germline. Inheritance: Unknown mechanism. Affected: yes.

PreventionGenetics, part of Exact Sciences
Classification: Benign for DSCAML1-related condition. Last evaluated: 2019-03-25. Review status: no assertion criteria provided. Collection method: clinical testing. Allele origin: germline. Not counted in ClinVar's aggregate classification.
Comment: This variant is classified as benign based on ACMG/AMP sequence variant interpretation guidelines (Richards et al. 2015 PMID: 25741868, with internal and published modifications).

NM_020693.4(DSCAML1):c.5358C>T (p.Ser1786=)

Gene: DSCAML1 (DS cell adhesion molecule like 1; minus strand). Cytogenetic location: 11q23.3.
Variant type: single nucleotide variant.
Coding change: c.5358C>T on transcript NM_020693.4 (MANE Select); coding-DNA position 5358, C replaced by T.
Protein change: p.Ser1786=; no amino-acid change (serine 1786 retained).
Molecular consequence: synonymous variant.
Genome position (GRCh38, 1-based): chr11:117,431,550, G>A on the plus strand (C>T on the coding strand, the complement: DSCAML1 is on the minus strand). VCF-style: chr11-117431550-G-A. GRCh37 (hg19) VCF-style: chr11-117302266-G-A.
Identifiers: ClinVar variation 769809 (VCV000769809.12), dbSNP rs7106898, ClinGen allele CA6296091.
Genomic context (GRCh38, chr11:117,431,550, plus strand): 5'-ACTGGGGGGAGGTGTTCAGGATGCCAGCAGGGCCTTAGGCACACCTGTGTCCTGGGACAG[G>A]CTGGCACTGTAGCTGTCACTCTCAGTGACCGTGACACCATGCTGGGAGCCCACGGTGCGC-3'
Protein context (NP_065744.3, residues 1776-1796): TVTESDSYSA[Ser1786=]LSQDTDKGRN